The following is an entry in ClinVar:

NM_032043.3(BRIP1):c.1446C>T (p.Ile482=)

Gene: BRIP1 (BRCA1 interacting DNA helicase 1; minus strand). Cytogenetic location: 17q23.2.
Variant type: single nucleotide variant.
Coding change: c.1446C>T on transcript NM_032043.3 (MANE Select); coding-DNA position 1446, C replaced by T.
Protein change: p.Ile482=; no amino-acid change (isoleucine 482 retained).
Molecular consequence: synonymous variant.
Genome position (GRCh38, 1-based): chr17:61,793,624, G>A on the plus strand (C>T on the coding strand, the complement: BRIP1 is on the minus strand). VCF-style: chr17-61793624-G-A. GRCh37 (hg19) VCF-style: chr17-59870985-G-A.
Identifiers: ClinVar variation 792452 (VCV000792452.12), dbSNP rs759360709, ClinGen allele CA8690741.

ClinVar aggregate classification (germline): Benign/Likely benign. Review status: criteria provided, multiple submitters, no conflicts (2 of 4 stars). 3 submissions from 3 submitters: Benign (1); Likely benign (2). Last evaluated 2026-04-12.

Conditions:
Hereditary cancer-predisposing syndrome. Also called: Neoplastic Syndromes, Hereditary; Hereditary neoplastic syndrome; Hereditary Cancer Syndrome; Tumor predisposition. Identifiers: Orphanet 140162, MedGen C0027672, MeSH D009386, MONDO:0015356.
Familial cancer of breast. Also called: BREAST CANCER, FAMILIAL; Hereditary breast cancer; hereditary breast carcinoma. Identifiers: Orphanet 227535, MedGen C0346153, MONDO:0016419, OMIM 114480. Disease mechanism: loss of function.
Fanconi anemia complementation group J. Also called: BRIP1-Related Fanconi Anemia. Identifiers: Orphanet 84, MedGen C1836860, MONDO:0012187, OMIM 609054.

Allele frequency attached by ClinVar (database versions not stated): ExAC 0.00001; gnomAD exomes below 0.00001.
gnomAD v4.1: 1 of 1,607,660 alleles (0.000062%); highest among the groups gnomAD compares: Non-Finnish European, 0.000085%; no homozygotes.

Submissions (3):

Ambry Genetics
Classification: Likely benign for Hereditary cancer-predisposing syndrome. Last evaluated: 2026-04-12. Review status: criteria provided, single submitter. Criteria: Ambry Variant Classification Scheme 2023. Collection method: clinical testing. Allele origin: germline.

Labcorp Genetics (formerly Invitae), Labcorp
Classification: Likely benign for Familial cancer of breast; Fanconi anemia complementation group J. Last evaluated: 2025-08-15. Review status: criteria provided, single submitter. Criteria: Invitae Variant Classification Sherloc (09022015). Collection method: clinical testing. Allele origin: germline.

Myriad Genetics, Inc.
Classification: Benign for Familial cancer of breast. Last evaluated: 2024-08-27. Review status: criteria provided, single submitter. Criteria: Myriad Autosomal Dominant, Autosomal Recessive and X-Linked Classification Criteria (2023). Collection method: clinical testing. Allele origin: unknown.
Comment: This variant is considered benign. This variant is a silent/synonymous amino acid change and it is not expected to impact splicing.